The following is an entry in ClinVar:

ClinVar aggregate classification (germline): Uncertain significance. Review status: criteria provided, multiple submitters, no conflicts (2 of 4 stars). 4 submissions from 4 submitters: Uncertain significance (4). Last evaluated 2026-01-18.

Conditions:
Inborn genetic diseases. Identifiers: MedGen C0950123, MeSH D030342.

Allele frequency attached by ClinVar (database versions not stated): TOPMed 0.00003; gnomAD 0.00001.
gnomAD v4.1: 15 of 1,611,232 alleles (0.00093%); highest among the groups gnomAD compares: Admixed American, 0.017%; no homozygotes.

Submissions (4):

Labcorp Genetics (formerly Invitae), Labcorp
Classification: Uncertain significance. Last evaluated: 2026-01-18. Review status: criteria provided, single submitter. Criteria: Invitae Variant Classification Sherloc (09022015). Collection method: clinical testing. Allele origin: germline.
Comment: This sequence change replaces arginine, which is basic and polar, with cysteine, which is neutral and slightly polar, at codon 1468 of the MYH14 protein (p.Arg1468Cys). This variant is present in population databases (no rsID available, gnomAD 0.003%). This variant has not been reported in the literature in individuals affected with MYH14-related conditions. ClinVar contains an entry for this variant (Variation ID: 2433875). Invitae Evidence Modeling of protein sequence and biophysical properties (such as structural, functional, and spatial information, amino acid conservation, physicochemical variation, residue mobility, and thermodynamic stability) indicates that this missense variant is expected to disrupt MYH14 protein function with a positive predictive value of 80%. In summary, the available evidence is currently insufficient to determine the role of this variant in disease. Therefore, it has been classified as a Variant of Uncertain Significance.

Ambry Genetics
Classification: Uncertain significance for Inborn genetic diseases. Last evaluated: 2025-11-03. Review status: criteria provided, single submitter. Criteria: Ambry Variant Classification Scheme 2023. Collection method: clinical testing. Allele origin: germline.

GeneDx
Classification: Uncertain significance. Last evaluated: 2025-05-13. Review status: criteria provided, single submitter. Criteria: GeneDx Variant Classification Process June 2021. Collection method: clinical testing. Allele origin: germline. Affected: yes.
Comment: Not observed at significant frequency in large population cohorts (gnomAD); In silico analysis supports that this missense variant has a deleterious effect on protein structure/function; Has not been previously published as pathogenic or benign to our knowledge

Revvity Omics, Revvity
Classification: Uncertain significance. Last evaluated: 2022-06-17. Review status: criteria provided, single submitter. Criteria: ACMG Guidelines, 2015. Collection method: clinical testing. Allele origin: germline.

NM_001145809.2(MYH14):c.4525C>T (p.Arg1509Cys)

Gene: MYH14 (myosin heavy chain 14; plus strand). Cytogenetic location: 19q13.33.
Variant type: single nucleotide variant.
Coding change: c.4525C>T on transcript NM_001145809.2 (MANE Select); coding-DNA position 4525, C replaced by T.
Protein change: p.Arg1509Cys; replaces arginine 1509 with cysteine.
Molecular consequence: missense variant.
Genome position (GRCh38, 1-based): chr19:50,281,828, C>T. VCF-style: chr19-50281828-C-T. GRCh37 (hg19) VCF-style: chr19-50785085-C-T.
Other names: c.4426C>T, p.Arg1476Cys (NM_001077186.2); c.4402C>T, p.Arg1468Cys (NM_024729.4); short protein forms R1468C, R1476C, R1509C.
Identifiers: ClinVar variation 2433875 (VCV002433875.8), dbSNP rs758354733, ClinGen allele CA309576127.